The following is an entry in ClinVar:

ClinVar aggregate classification (germline): Benign. Review status: criteria provided, multiple submitters, no conflicts (2 of 4 stars). 3 submissions from 3 submitters: Benign (3). Last evaluated 2023-01-26.

Submissions (3):

Mayo Clinic Laboratories, Mayo Clinic
Classification: Benign. Last evaluated: 2023-01-26. Review status: criteria provided, single submitter. Criteria: ACMG Guidelines, 2015. Collection method: clinical testing. Allele origin: germline. Observed: 101 variant alleles.
Comment: BA1, BP4, BP7

GeneDx
Classification: Benign. Last evaluated: 2019-08-06. Review status: criteria provided, single submitter. Criteria: GeneDx Variant Classification Process June 2021. Collection method: clinical testing. Allele origin: germline. Affected: yes.

Laboratory for Molecular Medicine, Mass General Brigham Personalized Medicine
Classification: Benign. Last evaluated: 2016-03-28. Review status: criteria provided, single submitter. Criteria: LMM Criteria. Collection method: clinical testing. Allele origin: germline.
Comment: Variant identified in a genome or exome case(s) and assessed due to predicted null impact of the variant or pathogenic assertions in the literature or databases. Disclaimer: This variant has not undergone full assessment. The following are preliminary notes: Frequency

NM_003849.4(SUCLG1):c.98-15_98-11del

Gene: SUCLG1 (succinate-CoA ligase GDP/ADP-forming subunit alpha; minus strand). Cytogenetic location: 2p11.2.
Variant type: Deletion.
Coding change: c.98-15_98-11del on transcript NM_003849.4 (MANE Select); 15 bases into the intron before coding-DNA position 98 through 11 bases into the intron before coding-DNA position 98, 5 bases deleted (TTTTT; older notation c.98-15_98-11delTTTTT).
Molecular consequence: intron variant.
Genome position (GRCh38, 1-based): chr2:84,449,763-84,449,767, AAAAA deleted on the plus strand (TTTTT on the coding strand, the reverse complement: SUCLG1 is on the minus strand); deleting any 5 consecutive bases within chr2:84,449,763-84,449,787 gives the same sequence; the c. name uses the placement nearest the transcript's 3' end. VCF-style (leftmost placement, unchanged base first): chr2-84449762-TAAAAA-T. GRCh37 (hg19) VCF-style: chr2-84676886-TAAAAA-T.
Other names: p.?.
Identifiers: ClinVar variation 403502 (VCV000403502.8), dbSNP rs56733272, ClinGen allele CA1736428.
Genomic context (GRCh38, chr2:84,449,762, plus strand): 5'-GATGTTGCCGAGAAGCTGTGTAGGAACAATGCCGAATTCCATTCTGCGGCACTAAGAGGT[TAAAAA>T]AAAAAAAAAAAAAAAAAAAAGACACATTATAATTTTTCTAAACTTTTGAACAATAATTCA-3'